The following is an entry in ClinVar:

NM_003816.3(ADAM9):c.541G>C (p.Asp181His)

Gene: ADAM9 (ADAM metallopeptidase domain 9; plus strand). Cytogenetic location: 8p11.22.
Variant type: single nucleotide variant.
Coding change: c.541G>C on transcript NM_003816.3 (MANE Select); coding-DNA position 541, G replaced by C.
Protein change: p.Asp181His; replaces aspartic acid 181 with histidine.
Molecular consequence: missense variant. On other transcripts: non-coding transcript variant (3).
Genome position (GRCh38, 1-based): chr8:39,017,349, G>C. VCF-style: chr8-39017349-G-C. GRCh37 (hg19) VCF-style: chr8-38874868-G-C.
Other names: short protein forms D181H.
Identifiers: ClinVar variation 1020862 (VCV001020862.3), dbSNP rs1410343531, ClinGen allele CA370753498.

ClinVar aggregate classification (germline): Uncertain significance (1 of 4 stars; one submission).

gnomAD v4.1: 6 of 1,614,084 alleles (0.00037%); no homozygotes.

Submission:

Labcorp Genetics (formerly Invitae), Labcorp
Classification: Uncertain significance. Last evaluated: 2022-08-10. Review status: criteria provided, single submitter. Criteria: Invitae Variant Classification Sherloc (09022015). Collection method: clinical testing. Allele origin: germline.
Comment: In summary, the available evidence is currently insufficient to determine the role of this variant in disease. Therefore, it has been classified as a Variant of Uncertain Significance. Algorithms developed to predict the effect of missense changes on protein structure and function (SIFT, PolyPhen-2, Align-GVGD) all suggest that this variant is likely to be tolerated. ClinVar contains an entry for this variant (Variation ID: 1020862). This variant has not been reported in the literature in individuals affected with ADAM9-related conditions. This variant is not present in population databases (gnomAD no frequency). This sequence change replaces aspartic acid, which is acidic and polar, with histidine, which is basic and polar, at codon 181 of the ADAM9 protein (p.Asp181His).